The following is an entry in ClinVar:

NM_000254.3(MTR):c.2473+8G>T

Gene: MTR (5-methyltetrahydrofolate-homocysteine methyltransferase; plus strand). Cytogenetic location: 1q43.
Variant type: single nucleotide variant.
Coding change: c.2473+8G>T on transcript NM_000254.3 (MANE Select); 8 bases into the intron after coding-DNA position 2473, G replaced by T.
Molecular consequence: intron variant.
Genome position (GRCh38, 1-based): chr1:236,873,848, G>T. VCF-style: chr1-236873848-G-T. GRCh37 (hg19) VCF-style: chr1-237037148-G-T.
Other names: c.2320+8G>T (NM_001291939.1); c.1252+8G>T (NM_001291940.2).
Identifiers: ClinVar variation 506535 (VCV000506535.14), dbSNP rs144061765, ClinGen allele CA1474391.

ClinVar aggregate classification (germline): Benign/Likely benign. Review status: criteria provided, multiple submitters, no conflicts (2 of 4 stars). 4 submissions from 4 submitters: Benign (1); Likely benign (3). Last evaluated 2026-01-27.

Conditions:
Methylcobalamin deficiency type cblG (HMAG). Also called: HOMOCYSTINURIA-MEGALOBLASTIC ANEMIA, cblG TYPE; HOMOCYSTINURIA-MEGALOBLASTIC ANEMIA, cblG COMPLEMENTATION TYPE; Functional methionine synthase deficiency type cblG; HOMOCYSTINURIA-MEGALOBLASTIC ANEMIA DUE TO DEFECT IN COBALAMIN METABOLISM, cblG COMPLEMENTATION TYPE. Identifiers: Orphanet 2170, Orphanet 622, MedGen C1855128, MONDO:0009609, OMIM 250940.

Allele frequency attached by ClinVar (database versions not stated): gnomAD exomes 0.00021 and 0.00060; ExAC 0.00071; 1000 Genomes Project 30x 0.00203; 1000 Genomes Project 0.00220; gnomAD 0.00245 and 0.00260; TOPMed 0.00269; ESP Exome Variant Server 0.00323.
gnomAD v4.1: 705 of 1,613,256 alleles (0.044%); highest among the groups gnomAD compares: African/African-American, 0.75%; 4 homozygotes.

Submissions (4):

Labcorp Genetics (formerly Invitae), Labcorp
Classification: Benign for Methylcobalamin deficiency type cblG. Last evaluated: 2026-01-27. Review status: criteria provided, single submitter. Criteria: Invitae Variant Classification Sherloc (09022015). Collection method: clinical testing. Allele origin: germline.

Blueprint Genetics
Classification: Likely benign. Last evaluated: 2024-11-01. Review status: criteria provided, single submitter. Criteria: ACMG Guidelines, 2015. Collection method: clinical testing. Allele origin: germline.

GeneDx
Classification: Likely benign. Last evaluated: 2017-08-14. Review status: criteria provided, single submitter. Criteria: GeneDx Variant Classification (06012015). Collection method: clinical testing. Allele origin: germline. Affected: yes.
Comment: This variant is considered likely benign or benign based on one or more of the following criteria: it is a conservative change, it occurs at a poorly conserved position in the protein, it is predicted to be benign by multiple in silico algorithms, and/or has population frequency not consistent with disease.

Breakthrough Genomics
Classification: Likely benign. Review status: criteria provided, single submitter. Criteria: ACMG Guidelines, 2015. Collection method: not provided. Allele origin: germline. Inheritance: Autosomal recessive inheritance. Affected: yes.